The following is an entry in ClinVar:

NM_002872.5(RAC2):c.276C>G (p.Asn92Lys)

Gene: RAC2 (Rac family small GTPase 2; minus strand). Cytogenetic location: 22q13.1.
Variant type: single nucleotide variant.
Coding change: c.276C>G on transcript NM_002872.5 (MANE Select); coding-DNA position 276, C replaced by G.
Protein change: p.Asn92Lys; replaces asparagine 92 with lysine.
Molecular consequence: missense variant.
Genome position (GRCh38, 1-based): chr22:37,231,944, G>C on the plus strand (C>G on the coding strand, the complement: RAC2 is on the minus strand). VCF-style: chr22-37231944-G-C. GRCh37 (hg19) VCF-style: chr22-37627984-G-C.
Other names: short protein forms N92K.
Identifiers: ClinVar variation 966254 (VCV000966254.10), dbSNP rs768931430, ClinGen allele CA411443180.
Genomic context (GRCh38, chr22:37,231,944, plus strand): 5'-CAGGGTTACCTGCCCCAGAGCCCCCAAGGCCCACCCTGTCCAGCTCACCTTGGCGCGGAC[G>C]TTCTCATAAGAGGCTGGGCTGACGAGGGAGAAGCAGATGAGGAAGACGTCCTGGGGACAG-3'
Protein context (NP_002863.1, residues 82-102): FSLVSPASYE[Asn92Lys]VRAKWFPEVR

ClinVar aggregate classification (germline): Uncertain significance (1 of 4 stars; one submission).

Conditions:
Neutrophil immunodeficiency syndrome. Also called: Immunodeficiency 73A with defective neutrophil chemotaxis and leukocytosis. Identifiers: Orphanet 183707, MedGen C1842398, MONDO:0011988, OMIM 608203.

Submission:

Labcorp Genetics (formerly Invitae), Labcorp
Classification: Uncertain significance for Neutrophil immunodeficiency syndrome. Last evaluated: 2022-10-03. Review status: criteria provided, single submitter. Criteria: Invitae Variant Classification Sherloc (09022015). Collection method: clinical testing. Allele origin: germline.
Comment: This variant is not present in population databases (gnomAD no frequency). In summary, the available evidence is currently insufficient to determine the role of this variant in disease. Therefore, it has been classified as a Variant of Uncertain Significance. Algorithms developed to predict the effect of missense changes on protein structure and function are either unavailable or do not agree on the potential impact of this missense change (SIFT: "Deleterious"; PolyPhen-2: "Benign"; Align-GVGD: "Class C0"). ClinVar contains an entry for this variant (Variation ID: 966254). This variant has not been reported in the literature in individuals affected with RAC2-related conditions. This sequence change replaces asparagine, which is neutral and polar, with lysine, which is basic and polar, at codon 92 of the RAC2 protein (p.Asn92Lys).